The following is an entry in ClinVar:

ClinVar aggregate classification (germline): Pathogenic (1 of 4 stars; one submission).

Conditions:
Glycogen storage disease IXa1. Also called: Glycogen storage disease 8; LIVER GLYCOGENOSIS, X-LINKED, TYPE I; GLYCOGEN STORAGE DISEASE VIII; GSD VIII. Identifiers: Orphanet 264580, MedGen C3694531, MONDO:0010598, OMIM 306000.

Submission:

Labcorp Genetics (formerly Invitae), Labcorp
Classification: Pathogenic for Glycogen storage disease IXa1. Last evaluated: 2023-12-15. Review status: criteria provided, single submitter. Criteria: Invitae Variant Classification Sherloc (09022015). Collection method: clinical testing. Allele origin: germline.
Comment: This variant results in the deletion of part of exon 31 (c.3329_3336+6del) of the PHKA2 gene. It is expected to disrupt RNA splicing. Variants that disrupt the donor or acceptor splice site typically lead to a loss of protein function (PMID: 16199547), and loss-of-function variants in PHKA2 are known to be pathogenic (PMID: 7711737, 10330341). This variant is not present in population databases (gnomAD no frequency). This variant has been observed in individual(s) with PHKA2-related conditions (Invitae). For these reasons, this variant has been classified as Pathogenic.

Literature cited by the submitters: PubMed 16199547; PubMed 7711737; PubMed 10330341.

NM_000292.3(PHKA2):c.3329_3336+6del

Gene: PHKA2 (phosphorylase kinase regulatory subunit alpha 2; minus strand). Cytogenetic location: Xp22.13.
Variant type: Deletion.
Coding change: c.3329_3336+6del on transcript NM_000292.3 (MANE Select); coding-DNA position 3329 through 6 bases into the intron after coding-DNA position 3336, 14 bases deleted (CCCGAGAGGTACGA).
Molecular consequence: splice donor variant.
Genome position (GRCh38, 1-based): chrX:18,895,132-18,895,145, TCGTACCTCTCGGG deleted on the plus strand (CCCGAGAGGTACGA on the coding strand, the reverse complement: PHKA2 is on the minus strand); deleting any 14 consecutive bases within chrX:18,895,132-18,895,149 gives the same sequence; the c. name uses the placement nearest the transcript's 3' end. VCF-style (leftmost placement, unchanged base first): chrX-18895131-ATCGTACCTCTCGGG-A. GRCh37 (hg19) VCF-style: chrX-18913249-ATCGTACCTCTCGGG-A.
Identifiers: ClinVar variation 2696072 (VCV002696072.3), dbSNP rs2518525425, ClinGen allele CA2697552889.